The following is an entry in ClinVar:

NM_001267550.2(TTN):c.93665A>G (p.Asn31222Ser)

Genes: TTN-AS1 (TTN antisense RNA 1; plus strand), TTN (titin; minus strand). Cytogenetic location: 2q31.2.
Variant type: single nucleotide variant.
Coding change: c.93665A>G on transcript NM_001267550.2 (MANE Select); coding-DNA position 93665, A replaced by G.
Protein change: p.Asn31222Ser; replaces asparagine 31222 with serine.
Molecular consequence: missense variant.
Genome position (GRCh38, 1-based): chr2:178,547,961, T>C on the plus strand (A>G on the coding strand, the complement: TTN is on the minus strand). VCF-style: chr2-178547961-T-C. GRCh37 (hg19) VCF-style: chr2-179412688-T-C.
Other names: c.88742A>G, p.Asn29581Ser (NM_001256850.1); c.66470A>G, p.Asn22157Ser (NM_003319.4); c.85961A>G, p.Asn28654Ser (NM_133378.4); c.66845A>G, p.Asn22282Ser (NM_133432.3); c.67046A>G, p.Asn22349Ser (NM_133437.4); short protein forms N31222S, N22349S, N22282S, N29581S, N22157S, N28654S.
Identifiers: ClinVar variation 567403 (VCV000567403.7), dbSNP rs1559164640, ClinGen allele CA349481634.

ClinVar aggregate classification (germline): Uncertain significance (1 of 4 stars; one submission).

Conditions:
Dilated cardiomyopathy 1G (CMD1G). Identifiers: Orphanet 154, MedGen C1858763, MONDO:0011400, OMIM 604145.
Autosomal recessive limb-girdle muscular dystrophy type 2J (LGMDR10). Also called: MUSCULAR DYSTROPHY, LIMB-GIRDLE, AUTOSOMAL RECESSIVE 10; Limb-girdle muscular dystrophy, type 2J. Identifiers: Orphanet 140922, MedGen C1837342, MONDO:0012127, OMIM 608807.

Allele frequency attached by ClinVar (database versions not stated): gnomAD exomes below 0.00001.
gnomAD v4.1: 5 of 1,613,700 alleles (0.00031%); highest among the groups gnomAD compares: Non-Finnish European, 0.00042%; no homozygotes.

Submission:

Labcorp Genetics (formerly Invitae), Labcorp
Classification: Uncertain significance for Dilated cardiomyopathy 1G; Autosomal recessive limb-girdle muscular dystrophy type 2J. Last evaluated: 2024-11-07. Review status: criteria provided, single submitter. Criteria: Invitae Variant Classification Sherloc (09022015). Collection method: clinical testing. Allele origin: germline.
Comment: This sequence change replaces asparagine, which is neutral and polar, with serine, which is neutral and polar, at codon 31222 of the TTN protein (p.Asn31222Ser). This variant is not present in population databases (gnomAD no frequency). This variant has not been reported in the literature in individuals affected with TTN-related conditions. ClinVar contains an entry for this variant (Variation ID: 567403). Experimental studies and prediction algorithms are not available or were not evaluated, and the functional significance of this variant is currently unknown. This variant is located in the A band of TTN (PMID: 25589632). Variants in this region may be relevant for cardiac or neuromuscular disorders (PMID: 25589632, 23975875). In summary, the available evidence is currently insufficient to determine the role of this variant in disease. Therefore, it has been classified as a Variant of Uncertain Significance.

Literature cited by the submitters: PubMed 25589632; PubMed 23975875.